The following is an entry in ClinVar:

NM_006766.5(KAT6A):c.5656G>A (p.Ala1886Thr)

Gene: KAT6A (lysine acetyltransferase 6A; minus strand). Cytogenetic location: 8p11.21.
Variant type: single nucleotide variant.
Coding change: c.5656G>A on transcript NM_006766.5 (MANE Select); coding-DNA position 5656, G replaced by A.
Protein change: p.Ala1886Thr; replaces alanine 1886 with threonine.
Molecular consequence: missense variant.
Genome position (GRCh38, 1-based): chr8:41,932,564, C>T on the plus strand (G>A on the coding strand, the complement: KAT6A is on the minus strand). VCF-style: chr8-41932564-C-T. GRCh37 (hg19) VCF-style: chr8-41790082-C-T.
Other names: short protein forms A1886T.
Identifiers: ClinVar variation 4998104 (VCV004998104.1).
Genomic context (GRCh38, chr8:41,932,564, plus strand): 5'-TAGGCATCAGATTAACCCCCATGTTCATGCCACGCTGAACAGCCAGTGCGCGAGGGCCAG[C>T]CTGCATGGCAACTGCCGATGGGCTACGGCCATACAGCTGCTGCTGGTGAGCAGCCGCAGA-3'
Protein context (NP_006757.2, residues 1876-1896): GRSPSAVAMQ[Ala1886Thr]GPRALAVQRG

ClinVar aggregate classification (germline): Uncertain significance (1 of 4 stars; one submission).

Conditions:
KAT6A-related disorder. Also called: KAT6A-related condition.

gnomAD v4.1: 2 of 1,614,242 alleles (0.00012%); highest among the groups gnomAD compares: Non-Finnish European, 0.00017%; no homozygotes.

Submission:

PreventionGenetics, part of Exact Sciences
Classification: Uncertain significance for KAT6A-related condition. Last evaluated: 2025-09-08. Review status: criteria provided, single submitter. Criteria: ACMG Guidelines, 2015. Collection method: clinical testing. Allele origin: germline.
Comment: The KAT6A c.5656G>A variant is predicted to result in the amino acid substitution p.Ala1886Thr. To our knowledge, this variant has not been reported in the literature. This variant is reported in 0.00088% of alleles in individuals of European (Non-Finnish) descent in gnomAD. At this time, the clinical significance of this variant is uncertain due to the absence of conclusive functional and genetic evidence.